The following is an entry in ClinVar:

NM_000844.4(GRM7):c.418G>C (p.Glu140Gln)

Gene: GRM7 (glutamate metabotropic receptor 7; plus strand). Cytogenetic location: 3p26.1.
Variant type: single nucleotide variant.
Coding change: c.418G>C on transcript NM_000844.4 (MANE Select); coding-DNA position 418, G replaced by C.
Protein change: p.Glu140Gln; replaces glutamic acid 140 with glutamine.
Molecular consequence: missense variant.
Genome position (GRCh38, 1-based): chr3:6,861,806, G>C. VCF-style: chr3-6861806-G-C. GRCh37 (hg19) VCF-style: chr3-6903493-G-C.
Other names: c.418G>C (NM_000844.3); c.418G>C, p.Glu140Gln (NM_181874.3); short protein forms E140Q.
Identifiers: ClinVar variation 1347412 (VCV001347412.7), dbSNP rs765027538, ClinGen allele CA2234575.

ClinVar aggregate classification (germline): Uncertain significance. Review status: criteria provided, multiple submitters, no conflicts (2 of 4 stars). 3 submissions from 3 submitters: Uncertain significance (3). Last evaluated 2025-05-01.

Conditions:
Inborn genetic diseases. Identifiers: MedGen C0950123, MeSH D030342.

Allele frequency attached by ClinVar (database versions not stated): TOPMed 0.00005; gnomAD exomes 0.00006; gnomAD 0.00004 and 0.00006; ExAC 0.00005.
gnomAD v4.1: 63 of 1,614,060 alleles (0.0039%); highest among the groups gnomAD compares: Middle Eastern, 0.18%; no homozygotes.

Submissions (3):

Ambry Genetics
Classification: Uncertain significance for Inborn genetic diseases. Last evaluated: 2025-05-01. Review status: criteria provided, single submitter. Criteria: Ambry Variant Classification Scheme 2023. Collection method: clinical testing. Allele origin: germline.

Dasa
Classification: Uncertain significance. Last evaluated: 2025-01-16. Review status: criteria provided, single submitter. Criteria: DASA Assertion Criteria. Collection method: clinical testing. Allele origin: germline.
Comment: NM_000844.4(GRM7):c.418G>C (p.Glu140Gln) is a missense variant that results in the substitution of glutamic acid with glutamine. This variant is rare in population databases. Computational prediction algorithms are consistent with a benign effect. The currently available literature and clinical evidence are not sufficient to establish a definitive association between this variant and the reported condition. Therefore, this variant is classified as a variant of uncertain significance.

Labcorp Genetics (formerly Invitae), Labcorp
Classification: Uncertain significance. Last evaluated: 2022-09-27. Review status: criteria provided, single submitter. Criteria: Invitae Variant Classification Sherloc (09022015). Collection method: clinical testing. Allele origin: germline.
Comment: In summary, the available evidence is currently insufficient to determine the role of this variant in disease. Therefore, it has been classified as a Variant of Uncertain Significance. Algorithms developed to predict the effect of missense changes on protein structure and function are either unavailable or do not agree on the potential impact of this missense change (SIFT: "Deleterious"; PolyPhen-2: "Possibly Damaging"; Align-GVGD: "Class C0"). ClinVar contains an entry for this variant (Variation ID: 1347412). This variant has not been reported in the literature in individuals affected with GRM7-related conditions. This variant is present in population databases (rs765027538, gnomAD 0.009%). This sequence change replaces glutamic acid, which is acidic and polar, with glutamine, which is neutral and polar, at codon 140 of the GRM7 protein (p.Glu140Gln).